The following is an entry in ClinVar:

NM_001193329.3(AOPEP):c.1206C>G (p.Val402=)

Gene: AOPEP (aminopeptidase O (putative); plus strand). Cytogenetic location: 9q22.32.
Variant type: single nucleotide variant.
Coding change: c.1206C>G on transcript NM_001193329.3 (MANE Select); coding-DNA position 1206, C replaced by G.
Protein change: p.Val402=; no amino-acid change (valine 402 retained).
Molecular consequence: synonymous variant. On other transcripts: non-coding transcript variant (5).
Genome position (GRCh38, 1-based): chr9:94,800,844, C>G. VCF-style: chr9-94800844-C-G. GRCh37 (hg19) VCF-style: chr9-97563126-C-G.
Other names: c.1206C>G, p.Val402= (NM_001193331.3, NM_001386063.2, NM_001386066.1 and 10 more transcripts); c.213C>G, p.Val71= (NM_001386061.1); c.885C>G, p.Val295= (NM_001386062.2); c.336C>G, p.Val112= (NM_001386073.1).
Identifiers: ClinVar variation 2659320 (VCV002659320.24), dbSNP rs2538539280, ClinGen allele CA466268613.
Genomic context (GRCh38, chr9:94,800,844, plus strand): 5'-ATACCCCTGCCGCTTCCAGAATGCTTCTGCCACCACCCAGGAGATCATTCCTCATCGGGT[C>G]TTTGCCCCTGTGTGCCTCACGGGTGCCTGCCAAGAGACCCTTCTGCGGCTGATCCCTCCT-3'
Protein context (NP_001180258.1, residues 392-412): ATTQEIIPHR[Val402=]FAPVCLTGAC

ClinVar aggregate classification (germline): Likely benign (1 of 4 stars; one submission).

Submission:

CeGaT Center for Human Genetics Tuebingen
Classification: Likely benign. Last evaluated: 2022-07-01. Review status: criteria provided, single submitter. Criteria: CeGaT Center For Human Genetics Tuebingen Variant Classification Criteria Version 2. Collection method: clinical testing. Allele origin: germline. Affected: yes. Observed: 1 variant allele.
Comment: AOPEP: PM2:Supporting, BP4, BP7